The following is an entry in ClinVar:

NM_002474.3(MYH11):c.5108G>A (p.Arg1703His)

Genes: MYH11 (myosin heavy chain 11; minus strand), NDE1 (nudE neurodevelopment protein 1; plus strand). Cytogenetic location: 16p13.11.
Variant type: single nucleotide variant.
Coding change: c.5108G>A on transcript NM_002474.3 (MANE Select); coding-DNA position 5108, G replaced by A.
Protein change: p.Arg1703His; replaces arginine 1703 with histidine.
Molecular consequence: missense variant. On other transcripts: intron variant (2).
Genome position (GRCh38, 1-based): chr16:15,719,283, C>T on the plus strand (G>A on the coding strand, the complement: MYH11 is on the minus strand). VCF-style: chr16-15719283-C-T. GRCh37 (hg19) VCF-style: chr16-15813140-C-T.
Other names: c.5129G>A, p.Arg1710His (NM_001040113.2, NM_001040114.2); c.5108G>A, p.Arg1703His (NM_022844.3); c.948-4908C>T (NM_001143979.2, NM_017668.3); c.5108G>A (NM_002474.2); short protein forms R1710H, R1703H.
Identifiers: ClinVar variation 534156 (VCV000534156.6), dbSNP rs890856227, ClinGen allele CA278596903.

ClinVar aggregate classification (germline): Uncertain significance. Review status: criteria provided, multiple submitters, no conflicts (2 of 4 stars). 3 submissions from 3 submitters: Uncertain significance (3). Last evaluated 2025-06-18.

Conditions:
Familial thoracic aortic aneurysm and aortic dissection (TAAD). Also called: Thoracic aortic aneurysms and dissections. Identifiers: Orphanet 91387, MedGen C4707243, MONDO:0019625.
Aortic aneurysm, familial thoracic 4 (AAT4). Also called: AORTIC ANEURYSM/AORTIC DISSECTION AND PATENT DUCTUS ARTERIOSUS. Identifiers: MedGen C1851504, MONDO:0007568, OMIM 132900.

Allele frequency attached by ClinVar (database versions not stated): gnomAD exomes 0.00001; TOPMed 0.00001; gnomAD 0.00002 and 0.00003.
gnomAD v4.1: 14 of 1,612,420 alleles (0.00087%); highest among the groups gnomAD compares: Admixed American, 0.0083%; no homozygotes.

Submissions (3):

Ambry Genetics
Classification: Uncertain significance for Familial thoracic aortic aneurysm and aortic dissection. Last evaluated: 2025-06-18. Review status: criteria provided, single submitter. Criteria: Ambry Variant Classification Scheme 2023. Collection method: clinical testing. Allele origin: germline.

Color Diagnostics, LLC DBA Color Health
Classification: Uncertain significance for Familial thoracic aortic aneurysm and aortic dissection. Last evaluated: 2024-03-06. Review status: criteria provided, single submitter. Criteria: ACMG Guidelines, 2015. Collection method: clinical testing. Allele origin: germline.
Comment: This missense variant replaces arginine with histidine at codon 1710 of the MYH11 protein. Computational prediction is inconclusive regarding the impact of this variant on protein structure and function. To our knowledge, functional studies have not been reported for this variant. This variant has not been reported in individuals affected with MYH11-related disorders in the literature. This variant has been identified in 4/281694 chromosomes in the general population by the Genome Aggregation Database (gnomAD). The available evidence is insufficient to determine the role of this variant in disease conclusively. Therefore, this variant is classified as a Variant of Uncertain Significance.

Labcorp Genetics (formerly Invitae), Labcorp
Classification: Uncertain significance for Aortic aneurysm, familial thoracic 4. Last evaluated: 2021-10-29. Review status: criteria provided, single submitter. Criteria: Invitae Variant Classification Sherloc (09022015). Collection method: clinical testing. Allele origin: germline.
Comment: This sequence change replaces arginine, which is basic and polar, with histidine, which is basic and polar, at codon 1710 of the MYH11 protein (p.Arg1710His). This variant is present in population databases (no rsID available, gnomAD 0.009%). This variant has not been reported in the literature in individuals affected with MYH11-related conditions. ClinVar contains an entry for this variant (Variation ID: 534156). Algorithms developed to predict the effect of missense changes on protein structure and function (SIFT, PolyPhen-2, Align-GVGD) all suggest that this variant is likely to be disruptive. In summary, the available evidence is currently insufficient to determine the role of this variant in disease. Therefore, it has been classified as a Variant of Uncertain Significance.